The following is an entry in ClinVar:

ClinVar aggregate classification (germline): Uncertain significance. Review status: criteria provided, multiple submitters, no conflicts (2 of 4 stars). 2 submissions from 2 submitters: Uncertain significance (2). Last evaluated 2024-02-20.

Conditions:
Familial hypocalciuric hypercalcemia (FHH). Also called: Familial benign hypercalcemia. Identifiers: Orphanet 405, MedGen C1809471, MONDO:0018458.
Autosomal dominant hypocalcemia 1 (HYPOC1). Also called: HYPOCALCEMIA, FAMILIAL. Identifiers: MedGen C3715128, MONDO:0011013, OMIM 601198.

gnomAD v4.1: 4 of 1,613,722 alleles (0.00025%); highest among the groups gnomAD compares: Non-Finnish European, 0.00034%; no homozygotes.

Submissions (2):

Labcorp Genetics (formerly Invitae), Labcorp
Classification: Uncertain significance for Familial hypocalciuric hypercalcemia; Autosomal dominant hypocalcemia 1. Last evaluated: 2024-02-20. Review status: criteria provided, single submitter. Criteria: Invitae Variant Classification Sherloc (09022015). Collection method: clinical testing. Allele origin: germline.
Comment: This sequence change replaces leucine, which is neutral and non-polar, with methionine, which is neutral and non-polar, at codon 658 of the CASR protein (p.Leu658Met). This variant is not present in population databases (gnomAD no frequency). This variant has not been reported in the literature in individuals affected with CASR-related conditions. ClinVar contains an entry for this variant (Variation ID: 949053). An algorithm developed to predict the effect of missense changes on protein structure and function (PolyPhen-2) suggests that this variant is likely to be disruptive. In summary, the available evidence is currently insufficient to determine the role of this variant in disease. Therefore, it has been classified as a Variant of Uncertain Significance.

Department of Pathology and Laboratory Medicine, Sinai Health System
Classification: Uncertain significance for autosomal dominant hypocalcemia 1. Last evaluated: 2022-05-24. Review status: criteria provided, single submitter. Criteria: ACMG Guidelines, 2015. Collection method: research. Allele origin: germline.

NM_000388.4(CASR):c.1972C>A (p.Leu658Met)

Gene: CASR (calcium sensing receptor; plus strand). Cytogenetic location: 3q21.1.
Variant type: single nucleotide variant.
Coding change: c.1972C>A on transcript NM_000388.4 (MANE Select); coding-DNA position 1972, C replaced by A.
Protein change: p.Leu658Met; replaces leucine 658 with methionine.
Molecular consequence: missense variant.
Genome position (GRCh38, 1-based): chr3:122,283,926, C>A. VCF-style: chr3-122283926-C-A. GRCh37 (hg19) VCF-style: chr3-122002773-C-A.
Other names: c.2002C>A, p.Leu668Met (NM_001178065.2); short protein forms L658M, L668M.
Identifiers: ClinVar variation 949053 (VCV000949053.11), dbSNP rs201609857, ClinGen allele CA82748681.